The following is an entry in ClinVar:

ClinVar aggregate classification (germline): Uncertain significance (1 of 4 stars; one submission).

Conditions:
ALG9 congenital disorder of glycosylation (CDG1L). Also called: CONGENITAL DISORDER OF GLYCOSYLATION, TYPE Il; CDG Il; ALG9-CDG. Identifiers: Orphanet 79328, MedGen C2931006, MONDO:0012117, OMIM 608776.

Allele frequency attached by ClinVar (database versions not stated): gnomAD exomes below 0.00001; ExAC 0.00001; TOPMed 0.00001.

Submission:

Labcorp Genetics (formerly Invitae), Labcorp
Classification: Uncertain significance for ALG9 congenital disorder of glycosylation. Last evaluated: 2025-07-03. Review status: criteria provided, single submitter. Criteria: Invitae Variant Classification Sherloc (09022015). Collection method: clinical testing. Allele origin: germline.
Comment: This sequence change replaces isoleucine, which is neutral and non-polar, with valine, which is neutral and non-polar, at codon 467 of the ATP6V0A2 protein (p.Ile467Val). This variant is not present in population databases (gnomAD no frequency). This variant has not been reported in the literature in individuals affected with ATP6V0A2-related conditions. ClinVar contains an entry for this variant (Variation ID: 1511372). Invitae Evidence Modeling of protein sequence and biophysical properties (such as structural, functional, and spatial information, amino acid conservation, physicochemical variation, residue mobility, and thermodynamic stability) indicates that this missense variant is not expected to disrupt ATP6V0A2 protein function with a negative predictive value of 80%. In summary, the available evidence is currently insufficient to determine the role of this variant in disease. Therefore, it has been classified as a Variant of Uncertain Significance.

NM_012463.4(ATP6V0A2):c.1399A>G (p.Ile467Val)

Gene: ATP6V0A2 (ATPase H+ transporting V0 subunit a2; plus strand). Cytogenetic location: 12q24.31.
Variant type: single nucleotide variant.
Coding change: c.1399A>G on transcript NM_012463.4 (MANE Select); coding-DNA position 1399, A replaced by G.
Protein change: p.Ile467Val; replaces isoleucine 467 with valine.
Molecular consequence: missense variant.
Genome position (GRCh38, 1-based): chr12:123,744,669, A>G. VCF-style: chr12-123744669-A-G. GRCh37 (hg19) VCF-style: chr12-124229216-A-G.
Other names: short protein forms I467V.
Identifiers: ClinVar variation 1511372 (VCV001511372.6), dbSNP rs753076012, ClinGen allele CA6861922.
Genomic context (GRCh38, chr12:123,744,669, plus strand): 5'-TTTTTTAATGGCCGGTACATCCTCCTGCTGATGGGGCTGTTCTCAGTGTACACTGGCCTC[A>G]TCTACAACGACTGCTTTTCAAAGTCAGTCAACCTGTTCGGCTCTGGGTGGAACGTGTCGG-3'
Protein context (NP_036595.2, residues 457-477): MGLFSVYTGL[Ile467Val]YNDCFSKSVN